The following is an entry in ClinVar:

NM_138694.4(PKHD1):c.832A>C (p.Thr278Pro)

Gene: PKHD1 (PKHD1 ciliary IPT domain containing fibrocystin/polyductin; minus strand). Cytogenetic location: 6p12.2.
Variant type: single nucleotide variant.
Coding change: c.832A>C on transcript NM_138694.4 (MANE Select); coding-DNA position 832, A replaced by C.
Protein change: p.Thr278Pro; replaces threonine 278 with proline.
Molecular consequence: missense variant.
Genome position (GRCh38, 1-based): chr6:52,066,024, T>G on the plus strand (A>C on the coding strand, the complement: PKHD1 is on the minus strand). VCF-style: chr6-52066024-T-G. GRCh37 (hg19) VCF-style: chr6-51930822-T-G.
Other names: c.832A>C, p.Thr278Pro (NM_170724.3); short protein forms T278P.
Identifiers: ClinVar variation 2632801 (VCV002632801.2), dbSNP rs775757866, ClinGen allele CA3853743.

ClinVar aggregate classification (germline): Uncertain significance (1 of 4 stars; one submission).

Conditions:
PKHD1-related disorder. Also called: PKHD1-related condition.

Allele frequency attached by ClinVar (database versions not stated): ExAC 0.00001.
gnomAD v4.1: 1 of 1,605,148 alleles (0.000062%); highest among the groups gnomAD compares: South Asian, 0.0011%; no homozygotes.

Submission:

PreventionGenetics, part of Exact Sciences
Classification: Uncertain significance for PKHD1-related condition. Last evaluated: 2025-02-20. Review status: criteria provided, single submitter. Criteria: ACMG Guidelines, 2015. Collection method: clinical testing. Allele origin: germline.
Comment: The PKHD1 c.832A>C variant is predicted to result in the amino acid substitution p.Thr278Pro. To our knowledge, this variant has not been reported in the literature. This variant is reported in 0.0033% of alleles in individuals of South Asian descent in gnomAD. At this time, the clinical significance of this variant is uncertain due to the absence of conclusive functional and genetic evidence.